The following is an entry in ClinVar:

NM_173842.3(IL1RN):c.219G>A (p.Val73=)

Gene: IL1RN (interleukin 1 receptor antagonist; plus strand). Cytogenetic location: 2q14.1.
Variant type: single nucleotide variant.
Coding change: c.219G>A on transcript NM_173842.3 (MANE Select); coding-DNA position 219, G replaced by A.
Protein change: p.Val73=; no amino-acid change (valine 73 retained).
Molecular consequence: synonymous variant.
Genome position (GRCh38, 1-based): chr2:113,131,058, G>A. VCF-style: chr2-113131058-G-A. GRCh37 (hg19) VCF-style: chr2-113888635-G-A.
Other names: c.165G>A, p.Val55= (NM_000577.5); c.117G>A, p.Val39= (NM_001318914.2, NM_001379360.1, NM_173843.3); c.228G>A, p.Val76= (NM_173841.3); c.228G>A (NM_173841.2).
Identifiers: ClinVar variation 1158793 (VCV001158793.11), dbSNP rs767496834, ClinGen allele CA1838833.

ClinVar aggregate classification (germline): Likely benign. Review status: criteria provided, single submitter (1 of 4 stars). 2 submissions from 2 submitters: Likely benign (1). 1 of the submissions does not count toward it. Last evaluated 2025-12-29.

Conditions:
Sterile multifocal osteomyelitis with periostitis and pustulosis. Also called: CHRONIC RECURRENT MULTIFOCAL OSTEOMYELITIS 2, WITH PERIOSTITIS AND PUSTULOSIS. Identifiers: Orphanet 210115, MedGen C2748507, MONDO:0013021, OMIM 612852.
IL1RN-related disorder. Also called: IL1RN-related condition.

Allele frequency attached by ClinVar (database versions not stated): gnomAD 0.00001 and 0.00002; gnomAD exomes 0.00001 and 0.00003; ExAC 0.00002.
gnomAD v4.1: 19 of 1,607,970 alleles (0.0012%); highest among the groups gnomAD compares: East Asian, 0.02%; no homozygotes.

Submissions (2):

Labcorp Genetics (formerly Invitae), Labcorp
Classification: Likely benign for Sterile multifocal osteomyelitis with periostitis and pustulosis. Last evaluated: 2025-12-29. Review status: criteria provided, single submitter. Criteria: Invitae Variant Classification Sherloc (09022015). Collection method: clinical testing. Allele origin: germline.

PreventionGenetics, part of Exact Sciences
Classification: Likely benign for IL1RN-related condition. Last evaluated: 2019-02-19. Review status: no assertion criteria provided. Collection method: clinical testing. Allele origin: germline. Not counted in ClinVar's aggregate classification.
Comment: This variant is classified as likely benign based on ACMG/AMP sequence variant interpretation guidelines (Richards et al. 2015 PMID: 25741868, with internal and published modifications).